The following is an entry in ClinVar:

ClinVar aggregate classification (germline): Conflicting classifications of pathogenicity. Review status: criteria provided, conflicting classifications (1 of 4 stars). 4 submissions from 4 submitters: Uncertain significance (1); Benign (1); Likely benign (2). Last evaluated 2025-05-27.

Conditions:
Cardiomyopathy (CMYO). Also called: Cardiomyopathies. Identifiers: Orphanet 167848, MedGen C0878544, MONDO:0004994, HP:0001638. Inheritance: Various modes of inheritance.
Arrhythmogenic right ventricular dysplasia 9 (ARVD9). Also called: Arrhythmogenic Right Ventricular Dysplasia/Cardiomyopathy 9; ARRHYTHMOGENIC RIGHT VENTRICULAR DYSPLASIA, FAMILIAL, 9. Identifiers: MedGen C1836906, MONDO:0012180, OMIM 609040.

Allele frequency attached by ClinVar (database versions not stated): gnomAD 0.00001; gnomAD exomes 0.00001 and 0.00004; ExAC 0.00002; TOPMed 0.00003.
gnomAD v4.1: 22 of 1,611,938 alleles (0.0014%); highest among the groups gnomAD compares: East Asian, 0.047%; no homozygotes.

Submissions (4):

Labcorp Genetics (formerly Invitae), Labcorp
Classification: Likely benign for Arrhythmogenic right ventricular dysplasia 9. Last evaluated: 2025-05-27. Review status: criteria provided, single submitter. Criteria: Invitae Variant Classification Sherloc (09022015). Collection method: clinical testing. Allele origin: germline.

Color Diagnostics, LLC DBA Color Health
Classification: Uncertain significance for Cardiomyopathy. Last evaluated: 2023-10-09. Review status: criteria provided, single submitter. Criteria: ACMG Guidelines, 2015. Collection method: clinical testing. Allele origin: germline.
Comment: This variant causes a single nucleotide substitution in intron 12 of the PKP2 gene. This variant has been observed in compound heterozygous state with c.224-3C>G variant in the same gene in an individual with early onset arrhythmogenic cardiomyopathy (PMID: 30830208). The proband's heterozygous parents were reported to be unaffected with cardiomyopathy. Studies using the proband's heart sample has shown that both c.2490-6T>C and c.224-3C>G variants affect splicing and result in exon 2 skipping and exon 13 extension, respectively (PMID: 30830208). Detailed molecular consequences of these variants were not described in this study but it was reported that the overall PKP2 protein expression in the proband's heart tissue was reduced (PMID: 30830208). This variant occurs at an elevated frequency in the general population and has been identified in 11/251374 chromosomes (11/18392 East Asian chromosomes, 0.0598%) by the Genome Aggregation Database (gnomAD). The available evidence is insufficient to determine the role of this variant in autosomal dominant arrhythmogenic cardiomyopathy conclusively. Therefore, this variant is classified as a Variant of Uncertain Significance.

Blueprint Genetics
Classification: Likely benign. Last evaluated: 2022-09-26. Review status: criteria provided, single submitter. Criteria: ACMG Guidelines, 2015. Collection method: clinical testing. Allele origin: germline.

GeneDx
Classification: Benign. Last evaluated: 2015-03-03. Review status: criteria provided, single submitter. Criteria: GeneDx Variant Classification Process June 2021. Collection method: clinical testing. Allele origin: germline. Affected: yes.

Literature cited by the submitters: PubMed 30830208 (cited by Color Diagnostics, LLC DBA Color Health).

NM_001005242.3(PKP2):c.2358-6T>C

Gene: PKP2 (plakophilin 2; minus strand). Cytogenetic location: 12p11.21.
Variant type: single nucleotide variant.
Coding change: c.2358-6T>C on transcript NM_001005242.3 (MANE Select); 6 bases into the intron before coding-DNA position 2358, T replaced by C.
Molecular consequence: intron variant.
Genome position (GRCh38, 1-based): chr12:32,792,737, A>G on the plus strand (T>C on the coding strand, the complement: PKP2 is on the minus strand). VCF-style: chr12-32792737-A-G. GRCh37 (hg19) VCF-style: chr12-32945671-A-G.
Other names: c.2490-6T>C (NM_004572.4).
Identifiers: ClinVar variation 414019 (VCV000414019.16), dbSNP rs761613652, ClinGen allele CA035607.